The following is an entry in ClinVar:

ClinVar aggregate classification (germline): Uncertain significance. Review status: criteria provided, multiple submitters, no conflicts (2 of 4 stars). 2 submissions from 2 submitters: Uncertain significance (2). Last evaluated 2026-04-17.

Conditions:
GNB2-related disorder. Also called: GNB2-related condition.

Submissions (2):

GeneDx
Classification: Uncertain significance. Last evaluated: 2026-04-17. Review status: criteria provided, single submitter. Criteria: GeneDx Variant Classification Process June 2021. Collection method: clinical testing. Allele origin: germline.
Comment: Not observed at significant frequency in large population cohorts (gnomAD); In silico analysis suggests that this missense variant does not alter protein structure/function; Has not been previously published as pathogenic or benign to our knowledge

PreventionGenetics, part of Exact Sciences
Classification: Uncertain significance for GNB2-related condition. Last evaluated: 2022-11-05. Review status: criteria provided, single submitter. Criteria: ACMG Guidelines, 2015. Collection method: clinical testing. Allele origin: germline.
Comment: The GNB2 c.789G>C variant is predicted to result in the amino acid substitution p.Met263Ile. To our knowledge, this variant has not been reported in the literature or in a large population database, indicating this variant is rare. At this time, the clinical significance of this variant is uncertain due to the absence of conclusive functional and genetic evidence.

NM_005273.4(GNB2):c.789G>C (p.Met263Ile)

Gene: GNB2 (G protein subunit beta 2; plus strand). Cytogenetic location: 7q22.1.
Variant type: single nucleotide variant.
Coding change: c.789G>C on transcript NM_005273.4 (MANE Select); coding-DNA position 789, G replaced by C.
Protein change: p.Met263Ile; replaces methionine 263 with isoleucine.
Molecular consequence: missense variant.
Genome position (GRCh38, 1-based): chr7:100,678,487, G>C. VCF-style: chr7-100678487-G-C. GRCh37 (hg19) VCF-style: chr7-100276110-G-C.
Other names: short protein forms M263I.
Identifiers: ClinVar variation 2631889 (VCV002631889.2), dbSNP rs1804412977, ClinGen allele CA368519944.